The following is an entry in ClinVar:

NM_022124.6(CDH23):c.7363-22_7363-12del

Gene: CDH23 (cadherin related 23; plus strand). Cytogenetic location: 10q22.1.
Variant type: Deletion.
Coding change: c.7363-22_7363-12del on transcript NM_022124.6 (MANE Select); 22 bases into the intron before coding-DNA position 7363 through 12 bases into the intron before coding-DNA position 7363, 11 bases deleted (AAAGCCACCCT).
Molecular consequence: intron variant.
Genome position (GRCh38, 1-based): chr10:71,800,614-71,800,624, AAAGCCACCCT deleted; deleting any 11 consecutive bases within chr10:71,800,611-71,800,624 gives the same sequence; the c. name uses the placement nearest the transcript's 3' end. VCF-style (leftmost placement, unchanged base first): chr10-71800610-ACCTAAAGCCAC-A. GRCh37 (hg19) VCF-style: chr10-73560367-ACCTAAAGCCAC-A.
Other names: c.643-22_643-12del (NM_001171933.1, NM_001171934.1).
Identifiers: ClinVar variation 2088686 (VCV002088686.4), dbSNP rs1368857827, ClinGen allele CA594316776.

ClinVar aggregate classification (germline): Uncertain significance (1 of 4 stars; one submission).

Submission:

Labcorp Genetics (formerly Invitae), Labcorp
Classification: Uncertain significance. Last evaluated: 2022-08-05. Review status: criteria provided, single submitter. Criteria: Invitae Variant Classification Sherloc (09022015). Collection method: clinical testing. Allele origin: germline.
Comment: In summary, the available evidence is currently insufficient to determine the role of this variant in disease. Therefore, it has been classified as a Variant of Uncertain Significance. Algorithms developed to predict the effect of sequence changes on RNA splicing suggest that this variant may create or strengthen a splice site. This variant has not been reported in the literature in individuals affected with CDH23-related conditions. This variant is present in population databases (no rsID available, gnomAD 0.003%). This sequence change falls in intron 52 of the CDH23 gene. It does not directly change the encoded amino acid sequence of the CDH23 protein.